The following is an entry in ClinVar:

ClinVar aggregate classification (germline): Uncertain significance. Review status: criteria provided, single submitter (1 of 4 stars). 2 submissions from 2 submitters: Uncertain significance (1). 1 of the submissions does not count toward it. Last evaluated 2025-11-08.

Conditions:
BRF2-related disorder. Also called: BRF2-related condition.

Allele frequency attached by ClinVar (database versions not stated): ESP Exome Variant Server 0.00108; ExAC 0.00133; gnomAD exomes 0.00164; 1000 Genomes Project 30x 0.00109; gnomAD 0.00144; 1000 Genomes Project 0.00120; TOPMed 0.00153.
gnomAD v4.1: 2,599 of 1,614,156 alleles (0.16%); highest among the groups gnomAD compares: Middle Eastern, 0.46%; 3 homozygotes.

Submissions (2):

Ambry Genetics
Classification: Uncertain significance. Last evaluated: 2025-11-08. Review status: criteria provided, single submitter. Criteria: Ambry Variant Classification Scheme 2023. Collection method: clinical testing. Allele origin: germline.

PreventionGenetics, part of Exact Sciences
Classification: Likely benign for BRF2-related condition. Last evaluated: 2022-04-28. Review status: no assertion criteria provided. Collection method: clinical testing. Allele origin: germline. Not counted in ClinVar's aggregate classification.
Comment: This variant is classified as likely benign based on ACMG/AMP sequence variant interpretation guidelines (Richards et al. 2015 PMID: 25741868, with internal and published modifications).

NM_018310.4(BRF2):c.823C>T (p.Arg275Trp)

Gene: BRF2 (BRF2 general transcription factor IIIB subunit; minus strand). Cytogenetic location: 8p11.23.
Variant type: single nucleotide variant.
Coding change: c.823C>T on transcript NM_018310.4 (MANE Select); coding-DNA position 823, C replaced by T.
Protein change: p.Arg275Trp; replaces arginine 275 with tryptophan.
Molecular consequence: missense variant.
Genome position (GRCh38, 1-based): chr8:37,844,927, G>A on the plus strand (C>T on the coding strand, the complement: BRF2 is on the minus strand). VCF-style: chr8-37844927-G-A. GRCh37 (hg19) VCF-style: chr8-37702445-G-A.
Other names: short protein forms R275W.
Identifiers: ClinVar variation 3042125 (VCV003042125.3), dbSNP rs144553072, ClinGen allele CA4712676.